The following is an entry in ClinVar:

NM_004168.4(SDHA):c.1893C>T (p.Asp631=)

Gene: SDHA (succinate dehydrogenase complex flavoprotein subunit A; plus strand). Cytogenetic location: 5p15.33.
Variant type: single nucleotide variant.
Coding change: c.1893C>T on transcript NM_004168.4 (MANE Select); coding-DNA position 1893, C replaced by T.
Protein change: p.Asp631=; no amino-acid change (aspartic acid 631 retained).
Molecular consequence: synonymous variant.
Genome position (GRCh38, 1-based): chr5:254,491, C>T. VCF-style: chr5-254491-C-T. GRCh37 (hg19) VCF-style: chr5-254606-C-T.
Other names: c.1749C>T, p.Asp583= (NM_001294332.2); c.1650C>T, p.Asp550= (NM_001330758.2).
Identifiers: ClinVar variation 539704 (VCV000539704.14), dbSNP rs1364764796, ClinGen allele CA359002213.
Genomic context (GRCh38, chr5:254,491, plus strand): 5'-GGGGCAACAGAAGAAGCCCTTTGAGGAGCACTGGAGGAAGCACACCCTGTCCTATGTGGA[C>T]GTTGGCACTGGGAAGGTCAGTGTGGAGCTCGTTCTCACCACAGCCCAGCACCCACACGGC-3'
Protein context (NP_004159.2, residues 621-641): HWRKHTLSYV[Asp631=]VGTGKVTLEY

ClinVar aggregate classification (germline): Benign/Likely benign. Review status: criteria provided, multiple submitters, no conflicts (2 of 4 stars). 3 submissions from 3 submitters: Benign (1); Likely benign (2). Last evaluated 2025-03-17.

Conditions:
Mitochondrial complex II deficiency, nuclear type 1. Also called: SUCCINATE CoQ REDUCTASE DEFICIENCY. Identifiers: Orphanet 3208, MedGen C5700310, MONDO:0100294, OMIM 252011.
Pheochromocytoma/paraganglioma syndrome 5. Also called: Paragangliomas 5; SDHA-Related Hereditary Paraganglioma-Pheochromocytoma Syndrome. Identifiers: Orphanet 29072, MedGen C3279992, MONDO:0013602, OMIM 614165.
Hereditary cancer-predisposing syndrome. Also called: Neoplastic Syndromes, Hereditary; Tumor predisposition; Hereditary neoplastic syndrome; Hereditary Cancer Syndrome. Identifiers: Orphanet 140162, MedGen C0027672, MeSH D009386, MONDO:0015356.

Allele frequency attached by ClinVar (database versions not stated): gnomAD exomes below 0.00001 and 0.00001.
gnomAD v4.1: 3 of 1,570,450 alleles (0.00019%); highest among the groups gnomAD compares: Admixed American, 0.0018%; no homozygotes.

Submissions (3):

Labcorp Genetics (formerly Invitae), Labcorp
Classification: Likely benign for Pheochromocytoma/paraganglioma syndrome 5; Mitochondrial complex II deficiency, nuclear type 1. Last evaluated: 2025-03-17. Review status: criteria provided, single submitter. Criteria: Invitae Variant Classification Sherloc (09022015). Collection method: clinical testing. Allele origin: germline.

Myriad Genetics, Inc.
Classification: Benign for Pheochromocytoma/paraganglioma syndrome 5. Last evaluated: 2025-03-11. Review status: criteria provided, single submitter. Criteria: Myriad Autosomal Dominant, Autosomal Recessive and X-Linked Classification Criteria (2023). Collection method: clinical testing. Allele origin: unknown.
Comment: This variant is considered benign. This variant is a silent/synonymous amino acid change and it is not expected to impact splicing.

Ambry Genetics
Classification: Likely benign for Hereditary cancer-predisposing syndrome. Last evaluated: 2022-05-07. Review status: criteria provided, single submitter. Criteria: Ambry Variant Classification Scheme 2023. Collection method: clinical testing. Allele origin: germline.